The following is an entry in ClinVar:

ClinVar aggregate classification (germline): Likely benign (0 of 4 stars; one submission).

Conditions:
ZP2-related disorder. Also called: ZP2-related condition.

Allele frequency attached by ClinVar (database versions not stated): gnomAD 0.00001; ExAC 0.00002.
gnomAD v4.1: 13 of 1,613,514 alleles (0.00081%); highest among the groups gnomAD compares: Admixed American, 0.0033%; no homozygotes.

Submission:

PreventionGenetics, part of Exact Sciences
Classification: Likely benign for ZP2-related condition. Last evaluated: 2019-09-18. Review status: no assertion criteria provided. Collection method: clinical testing. Allele origin: germline.
Comment: This variant is classified as likely benign based on ACMG/AMP sequence variant interpretation guidelines (Richards et al. 2015 PMID: 25741868, with internal and published modifications).

NM_001376232.1(ZP2):c.152-6C>T

Gene: ZP2 (zona pellucida glycoprotein 2; minus strand). Cytogenetic location: 16p12.2.
Variant type: single nucleotide variant.
Coding change: c.152-6C>T on transcript NM_001376232.1 (MANE Select); 6 bases into the intron before coding-DNA position 152, C replaced by T.
Molecular consequence: intron variant.
Genome position (GRCh38, 1-based): chr16:21,210,198, G>A on the plus strand (C>T on the coding strand, the complement: ZP2 is on the minus strand). VCF-style: chr16-21210198-G-A. GRCh37 (hg19) VCF-style: chr16-21221519-G-A.
Other names: c.152-6C>T (NM_001376231.1, NM_001376233.1, NM_003460.2).
Identifiers: ClinVar variation 3039783 (VCV003039783.2), dbSNP rs764861147, ClinGen allele CA7950178.